The following is an entry in ClinVar:

ClinVar aggregate classification (germline): Likely benign (0 of 4 stars; one submission).

Conditions:
PRRC2A-related disorder. Also called: PRRC2A-related condition.

Allele frequency attached by ClinVar (database versions not stated): 1000 Genomes Project 30x 0.00016; 1000 Genomes Project 0.00020; ESP Exome Variant Server 0.00107.
gnomAD v4.1: 235 of 1,590,668 alleles (0.015%); highest among the groups gnomAD compares: African/African-American, 0.23%; no homozygotes.

Submission:

PreventionGenetics, part of Exact Sciences
Classification: Likely benign for PRRC2A-related condition. Last evaluated: 2019-12-06. Review status: no assertion criteria provided. Collection method: clinical testing. Allele origin: germline.
Comment: This variant is classified as likely benign based on ACMG/AMP sequence variant interpretation guidelines (Richards et al. 2015 PMID: 25741868, with internal and published modifications).

NM_004638.4(PRRC2A):c.3501A>G (p.Pro1167=)

Gene: PRRC2A (proline rich coiled-coil 2A; plus strand). Cytogenetic location: 6p21.33.
Variant type: single nucleotide variant.
Coding change: c.3501A>G on transcript NM_004638.4 (MANE Select); coding-DNA position 3501, A replaced by G.
Protein change: p.Pro1167=; no amino-acid change (proline 1167 retained).
Molecular consequence: synonymous variant.
Genome position (GRCh38, 1-based): chr6:31,632,174, A>G. VCF-style: chr6-31632174-A-G. GRCh37 (hg19) VCF-style: chr6-31599951-A-G.
Other names: c.3501A>G, p.Pro1167= (NM_080686.3).
Identifiers: ClinVar variation 3049046 (VCV003049046.2), dbSNP rs146502735, ClinGen allele CA3715936.